The following is an entry in ClinVar:

ClinVar aggregate classification (germline): Pathogenic (0 of 4 stars; one submission).

Conditions:
Vascular Malformations and Overgrowth.

Submission:

Institute for Genomic Medicine (IGM) Clinical Laboratory, Nationwide Children's Hospital
Classification: Pathogenic for Vascular Malformations and Overgrowth. Last evaluated: 2020-11-08. Review status: no assertion criteria provided. Collection method: research. Allele origin: somatic. Affected: yes.
Comment: This alteration is of apparent somatic mosaic etiology with strong supporting evidence including no discernible strand bias, in a region absent of repetition and sequence homology, with clean, high-quality reads, having a variant allele fraction >= 3% [PS2], is supported by well-established models demonstrating downstream impact of the variant on RNA structure, gene expression, or protein function [PS3], is either well-represented in cancer as identified in the COSMIC database with >=20 documented instances or considered to occur in a statistically significant hotspot or region according to an online resource database [PM_CANCER], is in a non-repetitive region and results in a protein length change predicted to result in an in-frame protein product [PM4], and is at increased prevalence in our cohort, with >= 3 occurrences in unrelated individuals [PS4_Sup].

NM_181523.3(PIK3R1):c.1746-5_1748del

Gene: PIK3R1 (phosphoinositide-3-kinase regulatory subunit 1; plus strand). Cytogenetic location: 5q13.1.
Variant type: Deletion.
Coding change: c.1746-5_1748del on transcript NM_181523.3 (MANE Select); 5 bases into the intron before coding-DNA position 1746 through coding-DNA position 1748, 8 bases deleted (TTCAGGTG; older notation c.1746-5_1748delTTCAGGTG).
Molecular consequence: splice acceptor variant.
Genome position (GRCh38, 1-based): chr5:68,295,415-68,295,422, TTCAGGTG deleted. VCF-style (leftmost placement, unchanged base first): chr5-68295414-TTTCAGGTG-T. GRCh37 (hg19) VCF-style: chr5-67591242-TTTCAGGTG-T.
Other names: c.1746-5_1748delTTCAGGTG (NM_181523.3); c.846-5_848del (NM_181524.2); c.936-5_938del (NM_181504.4); c.657-5_659del (NM_001242466.2).
Identifiers: ClinVar variation 996078 (VCV000996078.5), dbSNP rs1747658707, ClinGen allele CA1553406236.